The following is an entry in ClinVar:

ClinVar aggregate classification (germline): Uncertain significance (1 of 4 stars; one submission).

Conditions:
Inborn genetic diseases. Identifiers: MedGen C0950123, MeSH D030342.

Submission:

Ambry Genetics
Classification: Uncertain significance for Inborn genetic diseases. Last evaluated: 2026-05-02. Review status: criteria provided, single submitter. Criteria: Ambry Variant Classification Scheme 2023. Collection method: clinical testing. Allele origin: germline.
Comment: The p.S1129I variant (also known as c.3386G>T), located in coding exon 13 of the ASXL1 gene, results from a G to T substitution at nucleotide position 3386. The serine at codon 1129 is replaced by isoleucine, an amino acid with dissimilar properties. This amino acid position is conserved. In addition, this alteration is predicted to be tolerated by in silico analysis. Based on the available evidence, the clinical significance of this variant remains unclear.

NM_015338.6(ASXL1):c.3386G>T (p.Ser1129Ile)

Gene: ASXL1 (ASXL transcriptional regulator 1; plus strand). Cytogenetic location: 20q11.21.
Variant type: single nucleotide variant.
Coding change: c.3386G>T on transcript NM_015338.6 (MANE Select); coding-DNA position 3386, G replaced by T.
Protein change: p.Ser1129Ile; replaces serine 1129 with isoleucine.
Molecular consequence: missense variant.
Genome position (GRCh38, 1-based): chr20:32,436,098, G>T. VCF-style: chr20-32436098-G-T. GRCh37 (hg19) VCF-style: chr20-31023901-G-T.
Other names: c.3203G>T, p.Ser1068Ile (NM_001363734.1); short protein forms S1068I, S1129I.
Identifiers: ClinVar variation 4864465 (VCV004864465.1).